The following is an entry in ClinVar:

NM_020458.4(TTC7A):c.2339G>A (p.Arg780His)

Gene: TTC7A (tetratricopeptide repeat domain 7A; plus strand). Cytogenetic location: 2p21.
Variant type: single nucleotide variant.
Coding change: c.2339G>A on transcript NM_020458.4 (MANE Select); coding-DNA position 2339, G replaced by A.
Protein change: p.Arg780His; replaces arginine 780 with histidine.
Molecular consequence: missense variant.
Genome position (GRCh38, 1-based): chr2:47,060,955, G>A. VCF-style: chr2-47060955-G-A. GRCh37 (hg19) VCF-style: chr2-47288094-G-A.
Other names: c.2411G>A, p.Arg804His (NM_001288951.2); c.2237G>A, p.Arg746His (NM_001288953.2); c.1277G>A, p.Arg426His (NM_001288955.2); short protein forms R780H, R426H, R804H, R746H.
Identifiers: ClinVar variation 834453 (VCV000834453.11), dbSNP rs746784091, ClinGen allele CA1648103.

ClinVar aggregate classification (germline): Conflicting classifications of pathogenicity. Review status: criteria provided, conflicting classifications (1 of 4 stars). 2 submissions from 2 submitters: Uncertain significance (1); Likely benign (1). Last evaluated 2026-07-01.

Conditions:
Multiple gastrointestinal atresias. Also called: Multiple intestinal atresia; FAMILIAL INTESTINAL POLYATRESIA SYNDROME. Identifiers: Orphanet 2300, MedGen C0220744, MONDO:0009465.

Allele frequency attached by ClinVar (database versions not stated): gnomAD 0.00001; ExAC 0.00002; gnomAD exomes 0.00002; TOPMed 0.00003.
gnomAD v4.1: 37 of 1,612,152 alleles (0.0023%); highest among the groups gnomAD compares: Non-Finnish European, 0.0027%; no homozygotes.

Submissions (2):

CeGaT Center for Human Genetics Tuebingen
Classification: Likely benign. Last evaluated: 2026-07-01. Review status: criteria provided, single submitter. Criteria: CeGaT Center For Human Genetics Tuebingen Variant Classification Criteria Version 2. Collection method: clinical testing. Allele origin: germline. Affected: yes. Observed: 1 variant allele.
Comment: TTC7A: BP4

Labcorp Genetics (formerly Invitae), Labcorp
Classification: Uncertain significance for Multiple gastrointestinal atresias. Last evaluated: 2019-04-05. Review status: criteria provided, single submitter. Criteria: Invitae Variant Classification Sherloc (09022015). Collection method: clinical testing. Allele origin: germline.
Comment: This sequence change replaces arginine with histidine at codon 780 of the TTC7A protein (p.Arg780His). The arginine residue is weakly conserved and there is a small physicochemical difference between arginine and histidine. In summary, the available evidence is currently insufficient to determine the role of this variant in disease. Therefore, it has been classified as a Variant of Uncertain Significance. Algorithms developed to predict the effect of missense changes on protein structure and function (SIFT, PolyPhen-2, Align-GVGD) all suggest that this variant is likely to be tolerated, but these predictions have not been confirmed by published functional studies and their clinical significance is uncertain. This variant has not been reported in the literature in individuals with TTC7A-related conditions. This variant is present in population databases (rs746784091, ExAC 0.01%).